The following is an entry in ClinVar:

ClinVar aggregate classification (germline): Uncertain significance. Review status: criteria provided, multiple submitters, no conflicts (2 of 4 stars). 2 submissions from 2 submitters: Uncertain significance (2). Last evaluated 2026-08-03.

Conditions:
Gastrointestinal stromal tumor. Also called: Gastrointestinal stromal tumor, somatic; Gastrointestinal stroma tumor. Identifiers: Orphanet 44890, MedGen C0238198, MeSH D046152, MONDO:0011719, OMIM 606764, HP:0100723.
Hereditary cancer-predisposing syndrome. Also called: Tumor predisposition; Hereditary Cancer Syndrome; Hereditary neoplastic syndrome; Neoplastic Syndromes, Hereditary. Identifiers: Orphanet 140162, MedGen C0027672, MeSH D009386, MONDO:0015356.

Allele frequency attached by ClinVar (database versions not stated): gnomAD exomes below 0.00001; ExAC 0.00001.
gnomAD v4.1: 1 of 1,611,938 alleles (0.000062%); highest among the groups gnomAD compares: Non-Finnish European, 0.000085%; no homozygotes.

Submissions (2):

Ambry Genetics
Classification: Uncertain significance for Hereditary cancer-predisposing syndrome. Last evaluated: 2026-08-03. Review status: criteria provided, single submitter. Criteria: Ambry Variant Classification Scheme 2023. Collection method: clinical testing. Allele origin: germline.
Comment: The c.367+3G>C intronic variant results from a G to C substitution 3 nucleotides after coding exon 2 in the PDGFRA gene. This nucleotide position is well conserved in available vertebrate species. In silico splice site analysis predicts that this alteration will not have any significant effect on splicing. Based on the available evidence, the clinical significance of this variant remains unclear.

Labcorp Genetics (formerly Invitae), Labcorp
Classification: Uncertain significance for Gastrointestinal stromal tumor. Last evaluated: 2024-04-23. Review status: criteria provided, single submitter. Criteria: Invitae Variant Classification Sherloc (09022015). Collection method: clinical testing. Allele origin: germline.
Comment: This sequence change falls in intron 3 of the PDGFRA gene. It does not directly change the encoded amino acid sequence of the PDGFRA protein. It affects a nucleotide within the consensus splice site. This variant is present in population databases (rs747555686, gnomAD 0.0009%). This variant has not been reported in the literature in individuals affected with PDGFRA-related conditions. ClinVar contains an entry for this variant (Variation ID: 1055292). Variants that disrupt the consensus splice site are a relatively common cause of aberrant splicing (PMID: 17576681, 9536098). Algorithms developed to predict the effect of sequence changes on RNA splicing suggest that this variant is not likely to affect RNA splicing. In summary, the available evidence is currently insufficient to determine the role of this variant in disease. Therefore, it has been classified as a Variant of Uncertain Significance.

Literature cited by the submitters: PubMed 17576681 (cited by Labcorp Genetics (formerly Invitae), Labcorp); PubMed 9536098 (cited by Labcorp Genetics (formerly Invitae), Labcorp).

NM_006206.6(PDGFRA):c.367+3G>C

Gene: PDGFRA (platelet derived growth factor receptor alpha; plus strand). Cytogenetic location: 4q12.
Variant type: single nucleotide variant.
Coding change: c.367+3G>C on transcript NM_006206.6 (MANE Select); 3 bases into the intron after coding-DNA position 367, G replaced by C.
Molecular consequence: intron variant.
Genome position (GRCh38, 1-based): chr4:54,261,415, G>C. VCF-style: chr4-54261415-G-C. GRCh37 (hg19) VCF-style: chr4-55127582-G-C.
Other names: c.367+3G>C (NM_006206.4, NM_001347827.2, NM_001347829.2); c.442+3G>C (NM_001347828.2); c.406+3G>C (NM_001347830.2).
Identifiers: ClinVar variation 1055292 (VCV001055292.8), dbSNP rs747555686, ClinGen allele CA2922269.
Genomic context (GRCh38, chr4:54,261,415, plus strand): 5'-CACACTCAGACAGAAGAGAATGAGCTTGAAGGCAGGCACATTTACATCTATGTGCCAGGT[G>C]AGTTGGCTGGGTCTCCAGGACCAAGCTTCTTCTCTTCCTGTCTCTCCTGTTAAATGTACT-3'